The following is an entry in ClinVar:

NM_152564.5(VPS13B):c.9330+1G>C

Gene: VPS13B (vacuolar protein sorting 13 homolog B; plus strand). Cytogenetic location: 8q22.2.
Variant type: single nucleotide variant.
Coding change: c.9330+1G>C on transcript NM_152564.5 (MANE Select); the canonical splice donor site of the intron after coding-DNA position 9330, G replaced by C.
Molecular consequence: splice donor variant.
Genome position (GRCh38, 1-based): chr8:99,823,979, G>C. VCF-style: chr8-99823979-G-C. GRCh37 (hg19) VCF-style: chr8-100836207-G-C.
Other names: c.9405+1G>C (NM_017890.5); c.9330+1G>C (NM_152564.4).
Identifiers: ClinVar variation 449600 (VCV000449600.16), dbSNP rs756013171, ClinGen allele CA371780564.

ClinVar aggregate classification (germline): Likely pathogenic. Review status: criteria provided, multiple submitters, no conflicts (2 of 4 stars). 4 submissions from 4 submitters: Likely pathogenic (3). 1 of the submissions does not count toward it. Last evaluated 2026-09-23.

Conditions:
VPS13B-related disorder. Also called: VPS13B-related condition.
Cohen syndrome (COH1). Also called: PEPPER SYNDROME; Cutis verticis gyrata, retinitis pigmentosa, and sensorineural deafness. Identifiers: Orphanet 193, MedGen C0265223, MONDO:0008999, OMIM 216550.

gnomAD v4.1: 1 of 1,611,700 alleles (0.000062%); highest among the groups gnomAD compares: Non-Finnish European, 0.000085%; no homozygotes.

Submissions (4):

PreventionGenetics, part of Exact Sciences
Classification: Likely pathogenic for VPS13B-related condition. Last evaluated: 2026-09-23. Review status: criteria provided, single submitter. Criteria: ACMG Guidelines, 2015. Collection method: clinical testing. Allele origin: germline.
Comment: The VPS13B c.9330+1G>C variant is predicted to disrupt the GT donor site and interfere with normal splicing. To our knowledge, this variant has not been reported in the literature in individuals with VPS13B-related disorders, or in a large population database (gnomAD), indicating this variant is rare. Variants that disrupt the consensus splice donor site in VPS13B are expected to be pathogenic. This variant is interpreted as likely pathogenic.

GeneDx
Classification: Likely pathogenic. Last evaluated: 2026-01-26. Review status: criteria provided, single submitter. Criteria: GeneDx Variant Classification Process June 2021. Collection method: clinical testing. Allele origin: germline. Affected: yes.
Comment: Canonical splice site variant predicted to result in an in-frame loss of the adjacent exon in a gene for which loss of function is a known mechanism of disease; Not observed at significant frequency in large population cohorts (gnomAD); Has not been previously published as pathogenic or benign to our knowledge; This variant is associated with the following publications: (PMID: 31589614)

Labcorp Genetics (formerly Invitae), Labcorp
Classification: Likely pathogenic for Cohen syndrome. Last evaluated: 2022-10-17. Review status: criteria provided, single submitter. Criteria: Invitae Variant Classification Sherloc (09022015). Collection method: clinical testing. Allele origin: germline.
Comment: This variant has not been reported in the literature in individuals affected with VPS13B-related conditions. This sequence change affects a donor splice site in intron 51 of the VPS13B gene. It is expected to disrupt RNA splicing. Variants that disrupt the donor or acceptor splice site typically lead to a loss of protein function (PMID: 16199547), and loss-of-function variants in VPS13B are known to be pathogenic (PMID: 15141358, 16648375, 20461111). This variant is not present in population databases (gnomAD no frequency). ClinVar contains an entry for this variant (Variation ID: 449600). Algorithms developed to predict the effect of sequence changes on RNA splicing suggest that this variant may disrupt the consensus splice site. In summary, the currently available evidence indicates that the variant is pathogenic, but additional data are needed to prove that conclusively. Therefore, this variant has been classified as Likely Pathogenic.

Counsyl
Classification: Likely pathogenic for Cohen syndrome. Last evaluated: 2017-07-25. Review status: no assertion criteria provided. Collection method: clinical testing. Allele origin: unknown. Not counted in ClinVar's aggregate classification.

Literature cited by the submitters: PubMed 16199547 (cited by Labcorp Genetics (formerly Invitae), Labcorp); PubMed 15141358 (cited by Labcorp Genetics (formerly Invitae), Labcorp); PubMed 16648375 (cited by Labcorp Genetics (formerly Invitae), Labcorp); PubMed 20461111 (cited by Labcorp Genetics (formerly Invitae), Labcorp).